The following is an entry in ClinVar:

NM_000264.5(PTCH1):c.4312G>C (p.Glu1438Gln)

Gene: PTCH1 (patched 1; minus strand). Cytogenetic location: 9q22.32.
Variant type: single nucleotide variant.
Coding change: c.4312G>C on transcript NM_000264.5 (MANE Select); coding-DNA position 4312, G replaced by C.
Protein change: p.Glu1438Gln; replaces glutamic acid 1438 with glutamine.
Molecular consequence: missense variant. On other transcripts: non-coding transcript variant (1).
Genome position (GRCh38, 1-based): chr9:95,446,944, C>G on the plus strand (G>C on the coding strand, the complement: PTCH1 is on the minus strand). VCF-style: chr9-95446944-C-G. GRCh37 (hg19) VCF-style: chr9-98209226-C-G.
Other names: c.4114G>C, p.Glu1372Gln (NM_001083602.3); c.4309G>C, p.Glu1437Gln (NM_001083603.3); c.3859G>C, p.Glu1287Gln (NM_001083604.3, NM_001083605.3, NM_001083606.3 and 1 more transcripts); c.4156G>C, p.Glu1386Gln (NM_001354918.2); short protein forms E1386Q, E1437Q, E1438Q, E1287Q, E1372Q.
Identifiers: ClinVar variation 2709972 (VCV002709972.3), dbSNP rs768254901, ClinGen allele CA374109876.

ClinVar aggregate classification (germline): Uncertain significance (1 of 4 stars; one submission).

Conditions:
Gorlin syndrome. Also called: Nevoid Basal Cell Carcinoma Syndrome; Basal cell nevus syndrome. Identifiers: Orphanet 377, MedGen C0004779, MONDO:0007187.

Submission:

Labcorp Genetics (formerly Invitae), Labcorp
Classification: Uncertain significance for Gorlin syndrome. Last evaluated: 2024-01-18. Review status: criteria provided, single submitter. Criteria: Invitae Variant Classification Sherloc (09022015). Collection method: clinical testing. Allele origin: germline.
Comment: This sequence change replaces glutamic acid, which is acidic and polar, with glutamine, which is neutral and polar, at codon 1438 of the PTCH1 protein (p.Glu1438Gln). This variant is not present in population databases (gnomAD no frequency). This variant has not been reported in the literature in individuals affected with PTCH1-related conditions. Advanced modeling of protein sequence and biophysical properties (such as structural, functional, and spatial information, amino acid conservation, physicochemical variation, residue mobility, and thermodynamic stability) performed at Invitae indicates that this missense variant is not expected to disrupt PTCH1 protein function with a negative predictive value of 95%. In summary, the available evidence is currently insufficient to determine the role of this variant in disease. Therefore, it has been classified as a Variant of Uncertain Significance.